The following is an entry in ClinVar:

NM_000245.4(MET):c.244G>A (p.Ala82Thr)

Gene: MET (MET proto-oncogene, receptor tyrosine kinase; plus strand). Cytogenetic location: 7q31.2.
Variant type: single nucleotide variant.
Coding change: c.244G>A on transcript NM_000245.4 (MANE Select); coding-DNA position 244, G replaced by A.
Protein change: p.Ala82Thr; replaces alanine 82 with threonine.
Molecular consequence: missense variant. On other transcripts: intron variant (1).
Genome position (GRCh38, 1-based): chr7:116,699,328, G>A. VCF-style: chr7-116699328-G-A. GRCh37 (hg19) VCF-style: chr7-116339382-G-A.
Other names: c.244G>A, p.Ala82Thr (NM_001127500.3, NM_001324401.3); c.-91+26751G>A (NM_001324402.2); short protein forms A82T.
Identifiers: ClinVar variation 3606113 (VCV003606113.2).

ClinVar aggregate classification (germline): Uncertain significance (1 of 4 stars; one submission).

Conditions:
Renal cell carcinoma. Identifiers: Orphanet 217071, MedGen C0007134, MeSH D002292, MONDO:0005086, HP:0005584.

Submission:

Labcorp Genetics (formerly Invitae), Labcorp
Classification: Uncertain significance for Renal cell carcinoma. Last evaluated: 2024-07-22. Review status: criteria provided, single submitter. Criteria: Invitae Variant Classification Sherloc (09022015). Collection method: clinical testing. Allele origin: germline.
Comment: This sequence change replaces alanine, which is neutral and non-polar, with threonine, which is neutral and polar, at codon 82 of the MET protein (p.Ala82Thr). This variant is not present in population databases (gnomAD no frequency). This variant has not been reported in the literature in individuals affected with MET-related conditions. Advanced modeling of protein sequence and biophysical properties (such as structural, functional, and spatial information, amino acid conservation, physicochemical variation, residue mobility, and thermodynamic stability) performed at Invitae indicates that this missense variant is not expected to disrupt MET protein function with a negative predictive value of 80%. In summary, the available evidence is currently insufficient to determine the role of this variant in disease. Therefore, it has been classified as a Variant of Uncertain Significance.